The following is an entry in ClinVar:

ClinVar aggregate classification (germline): Uncertain significance. Review status: criteria provided, multiple submitters, no conflicts (2 of 4 stars). 3 submissions from 3 submitters: Uncertain significance (3). Last evaluated 2025-08-05.

Conditions:
Inborn genetic diseases. Identifiers: MedGen C0950123, MeSH D030342.
Developmental and epileptic encephalopathy, 23 (DEE23). Also called: Epileptic encephalopathy, early infantile, 23. Identifiers: Orphanet 411986, MedGen C4014492, MONDO:0014371, OMIM 615859.

Allele frequency attached by ClinVar (database versions not stated): TOPMed below 0.00001; ExAC 0.00001; gnomAD 0.00001; gnomAD exomes 0.00001.
gnomAD v4.1: 10 of 1,612,010 alleles (0.00062%); highest among the groups gnomAD compares: Middle Eastern, 0.016%; no homozygotes.

Submissions (3):

Ambry Genetics
Classification: Uncertain significance for Inborn genetic diseases. Last evaluated: 2025-08-05. Review status: criteria provided, single submitter. Criteria: Ambry Variant Classification Scheme 2023. Collection method: clinical testing. Allele origin: germline.

Blueprint Genetics
Classification: Uncertain significance. Last evaluated: 2022-11-09. Review status: criteria provided, single submitter. Criteria: ACMG Guidelines, 2015. Collection method: clinical testing. Allele origin: germline.

Labcorp Genetics (formerly Invitae), Labcorp
Classification: Uncertain significance for Developmental and epileptic encephalopathy, 23. Last evaluated: 2022-02-02. Review status: criteria provided, single submitter. Criteria: Invitae Variant Classification Sherloc (09022015). Collection method: clinical testing. Allele origin: germline.
Comment: This sequence change replaces glutamic acid, which is acidic and polar, with lysine, which is basic and polar, at codon 53 of the DOCK7 protein (p.Glu53Lys). This variant is present in population databases (rs766896228, gnomAD 0.002%). This variant has not been reported in the literature in individuals affected with DOCK7-related conditions. Algorithms developed to predict the effect of missense changes on protein structure and function are either unavailable or do not agree on the potential impact of this missense change (SIFT: "Deleterious"; PolyPhen-2: "Probably Damaging"; Align-GVGD: "Class C0"). In summary, the available evidence is currently insufficient to determine the role of this variant in disease. Therefore, it has been classified as a Variant of Uncertain Significance.

NM_001367561.1(DOCK7):c.157G>A (p.Glu53Lys)

Gene: DOCK7 (dedicator of cytokinesis 7; minus strand). Cytogenetic location: 1p31.3.
Variant type: single nucleotide variant.
Coding change: c.157G>A on transcript NM_001367561.1 (MANE Select); coding-DNA position 157, G replaced by A.
Protein change: p.Glu53Lys; replaces glutamic acid 53 with lysine.
Molecular consequence: missense variant.
Genome position (GRCh38, 1-based): chr1:62,654,147, C>T on the plus strand (G>A on the coding strand, the complement: DOCK7 is on the minus strand). VCF-style: chr1-62654147-C-T. GRCh37 (hg19) VCF-style: chr1-63119818-C-T.
Other names: c.157G>A, p.Glu53Lys (NM_001271999.2, NM_001272000.2, NM_001272001.2 and 3 more transcripts); c.157G>A (NM_033407.2); short protein forms E53K.
Identifiers: ClinVar variation 1986745 (VCV001986745.3), dbSNP rs766896228, ClinGen allele CA887253.